The following is an entry in ClinVar:

ClinVar aggregate classification (germline): Uncertain significance (1 of 4 stars; one submission).

Conditions:
Singleton-Merten syndrome 1 (SGMRT1). Also called: Widened medullary cavities of bone, aortic calcification, abnormal dentition, and muscular weakness; Syndrome of widened medullary cavities of the metacarpals and phalanges, aortic calcification and abnormal dentition. Identifiers: Orphanet 85191, MedGen C4225427, MONDO:0024535, OMIM 182250.
Aicardi-Goutieres syndrome 7 (AGS7). Identifiers: Orphanet 51, MedGen C3888244, MONDO:0014367, OMIM 615846.

Submission:

Labcorp Genetics (formerly Invitae), Labcorp
Classification: Uncertain significance for Aicardi-Goutieres syndrome 7; Singleton-Merten syndrome 1. Last evaluated: 2021-12-28. Review status: criteria provided, single submitter. Criteria: Invitae Variant Classification Sherloc (09022015). Collection method: clinical testing. Allele origin: germline.
Comment: This variant has not been reported in the literature in individuals affected with IFIH1-related conditions. This variant is not present in population databases (gnomAD no frequency). This sequence change replaces valine, which is neutral and non-polar, with phenylalanine, which is neutral and non-polar, at codon 387 of the IFIH1 protein (p.Val387Phe). Algorithms developed to predict the effect of missense changes on protein structure and function are either unavailable or do not agree on the potential impact of this missense change (SIFT: "Deleterious"; PolyPhen-2: "Probably Damaging"; Align-GVGD: "Class C0"). In summary, the available evidence is currently insufficient to determine the role of this variant in disease. Therefore, it has been classified as a Variant of Uncertain Significance.

NM_022168.4(IFIH1):c.1159G>T (p.Val387Phe)

Gene: IFIH1 (interferon induced with helicase C domain 1; minus strand). Cytogenetic location: 2q24.2.
Variant type: single nucleotide variant.
Coding change: c.1159G>T on transcript NM_022168.4 (MANE Select); coding-DNA position 1159, G replaced by T.
Protein change: p.Val387Phe; replaces valine 387 with phenylalanine.
Molecular consequence: missense variant.
Genome position (GRCh38, 1-based): chr2:162,282,513, C>A on the plus strand (G>T on the coding strand, the complement: IFIH1 is on the minus strand). VCF-style: chr2-162282513-C-A. GRCh37 (hg19) VCF-style: chr2-163139023-C-A.
Other names: short protein forms V387F.
Identifiers: ClinVar variation 2064282 (VCV002064282.4), dbSNP rs374766201, ClinGen allele CA349002961.